The following is an entry in ClinVar:

NM_001148.6(ANK2):c.1881+4A>G

Gene: ANK2 (ankyrin 2; plus strand). Cytogenetic location: 4q26.
Variant type: single nucleotide variant.
Coding change: c.1881+4A>G on transcript NM_001148.6 (MANE Select); 4 bases into the intron after coding-DNA position 1881, A replaced by G.
Molecular consequence: intron variant.
Genome position (GRCh38, 1-based): chr4:113,278,562, A>G. VCF-style: chr4-113278562-A-G. GRCh37 (hg19) VCF-style: chr4-114199718-A-G.
Other names: c.1869+4A>G (NM_001386186.2, NM_001386148.2); c.1671+4A>G (NM_001354269.3); c.1845+4A>G (NM_001386187.2); c.1839+4A>G (NM_001386147.1, NM_001386160.1, NM_001354261.2); c.1818+4A>G (NM_001354254.2, NM_001354239.2, NM_001354252.2 and 10 more transcripts); c.1719+627A>G (NM_001354253.2, NM_001354270.2, NM_001354257.2 and 1 more transcripts); c.1794+4A>G (NM_001354249.2, NM_001354266.2, NM_001354276.2 and 10 more transcripts); c.1695+627A>G (NM_001386151.1, NM_001354260.2, NM_001354271.2); and 8 more.
Identifiers: ClinVar variation 4851691 (VCV004851691.1).

ClinVar aggregate classification (germline): Uncertain significance (1 of 4 stars; one submission).

Submission:

Greenwood Genetic Center Diagnostic Laboratories, Greenwood Genetic Center
Classification: Uncertain significance. Last evaluated: 2025-02-25. Review status: criteria provided, single submitter. Criteria: ACMG Guidelines, 2015. Collection method: clinical testing. Allele origin: germline.
Comment: PM2